The following is an entry in ClinVar:

NM_001083614.2(EARS2):c.606C>G (p.Val202=)

Gene: EARS2 (glutamyl-tRNA synthetase 2, mitochondrial; minus strand). Cytogenetic location: 16p12.2.
Variant type: single nucleotide variant.
Coding change: c.606C>G on transcript NM_001083614.2 (MANE Select); coding-DNA position 606, C replaced by G.
Protein change: p.Val202=; no amino-acid change (valine 202 retained).
Molecular consequence: synonymous variant. On other transcripts: non-coding transcript variant (1).
Genome position (GRCh38, 1-based): chr16:23,535,240, G>C on the plus strand (C>G on the coding strand, the complement: EARS2 is on the minus strand). VCF-style: chr16-23535240-G-C. GRCh37 (hg19) VCF-style: chr16-23546561-G-C.
Other names: p.V202V:GTC>GTG; c.606C>G, p.Val202= (NM_001308211.1).
Identifiers: ClinVar variation 137183 (VCV000137183.25), dbSNP rs2073951, ClinGen allele CA290693.

ClinVar aggregate classification (germline): Benign. Review status: criteria provided, multiple submitters, no conflicts (2 of 4 stars). 9 submissions from 9 submitters: Benign (6). 3 of the submissions do not count toward it. Last evaluated 2026-02-03.

Conditions:
Leukoencephalopathy-thalamus and brainstem anomalies-high lactate syndrome. Also called: LEUKOENCEPHALOPATHY WITH THALAMUS AND BRAINSTEM INVOLVEMENT AND HIGH LACTATE; Combined oxidative phosphorylation deficiency 12. Identifiers: Orphanet 314051, MedGen C4706421, MONDO:0013971, OMIM 614924.

Allele frequency attached by ClinVar (database versions not stated): 1000 Genomes Project 0.80272; 1000 Genomes Project 30x 0.80590; gnomAD exomes 0.83017; ExAC 0.83081; gnomAD 0.83582 and 0.83916; TOPMed 0.84304; ESP Exome Variant Server 0.85249.
gnomAD v4.1: 1,358,846 of 1,612,832 alleles (84%); highest among the groups gnomAD compares: Middle Eastern, 88%; 573,703 homozygotes.

Submissions (9):

Labcorp Genetics (formerly Invitae), Labcorp
Classification: Benign. Last evaluated: 2026-02-03. Review status: criteria provided, single submitter. Criteria: Invitae Variant Classification Sherloc (09022015). Collection method: clinical testing. Allele origin: germline.

Blueprint Genetics
Classification: Benign. Last evaluated: 2024-11-27. Review status: criteria provided, single submitter. Criteria: ACMG Guidelines, 2015. Collection method: clinical testing. Allele origin: germline.

Genome-Nilou Lab
Classification: Benign for Leukoencephalopathy-thalamus and brainstem anomalies-high lactate syndrome. Last evaluated: 2021-07-30. Review status: criteria provided, single submitter. Criteria: ACMG Guidelines, 2015. Collection method: clinical testing. Allele origin: germline. Affected: no.

Illumina Laboratory Services, Illumina
Classification: Benign for Leukoencephalopathy-thalamus and brainstem anomalies-high lactate syndrome. Last evaluated: 2018-01-13. Review status: criteria provided, single submitter. Criteria: ICSL Variant Classification Criteria 13 December 2019. Collection method: clinical testing. Allele origin: germline.
Comment: This variant was observed in the ICSL laboratory as part of a predisposition screen in an ostensibly healthy population. It had not been previously curated by ICSL or reported in the Human Gene Mutation Database (HGMD: prior to June 1st, 2018), and was therefore a candidate for classification through an automated scoring system. Utilizing variant allele frequency, disease prevalence and penetrance estimates, and inheritance mode, an automated score was calculated to assess if this variant is too frequent to cause the disease. Based on the score and internal cut-off values, a variant classified as benign is not then subjected to further curation. The score for this variant resulted in a classification of benign for this disease.

GeneDx
Classification: Benign. Last evaluated: 2013-09-05. Review status: criteria provided, single submitter. Criteria: GeneDx Variant Classification (06012015). Collection method: clinical testing. Allele origin: germline. Affected: yes.
Comment: This variant is considered likely benign or benign based on one or more of the following criteria: it is a conservative change, it occurs at a poorly conserved position in the protein, it is predicted to be benign by multiple in silico algorithms, and/or has population frequency not consistent with disease.

Breakthrough Genomics
Classification: Benign. Review status: criteria provided, single submitter. Criteria: ACMG Guidelines, 2015. Collection method: not provided. Allele origin: germline. Inheritance: Autosomal recessive inheritance. Affected: yes.

Mayo Clinic Laboratories, Mayo Clinic
Classification: Benign. Last evaluated: 2016-02-15. Review status: no assertion criteria provided. Collection method: clinical testing. Allele origin: unknown. Not counted in ClinVar's aggregate classification.

Diagnostic Laboratory, Department of Genetics, University Medical Center Groningen
Classification: Benign. Review status: no assertion criteria provided. Collection method: clinical testing. Allele origin: germline. Affected: yes. Study: VKGL Data-share Consensus. Not counted in ClinVar's aggregate classification.

Joint Genome Diagnostic Labs from Nijmegen and Maastricht, Radboudumc and MUMC+
Classification: Benign. Review status: no assertion criteria provided. Collection method: clinical testing. Allele origin: germline. Affected: yes. Study: VKGL Data-share Consensus. Not counted in ClinVar's aggregate classification.